The following is an entry in ClinVar:

ClinVar aggregate classification (germline): Uncertain significance (1 of 4 stars; one submission).

Submission:

Labcorp Genetics (formerly Invitae), Labcorp
Classification: Uncertain significance. Last evaluated: 2022-12-04. Review status: criteria provided, single submitter. Criteria: Invitae Variant Classification Sherloc (09022015). Collection method: clinical testing. Allele origin: germline.
Comment: This variant is not present in population databases (gnomAD no frequency). This sequence change replaces proline, which is neutral and non-polar, with leucine, which is neutral and non-polar, at codon 45 of the KLHDC8B protein (p.Pro45Leu). Algorithms developed to predict the effect of missense changes on protein structure and function are either unavailable or do not agree on the potential impact of this missense change (SIFT: "Deleterious"; PolyPhen-2: "Possibly Damaging"; Align-GVGD: "Class C0"). In summary, the available evidence is currently insufficient to determine the role of this variant in disease. Therefore, it has been classified as a Variant of Uncertain Significance. This variant has not been reported in the literature in individuals affected with KLHDC8B-related conditions.

NM_173546.3(KLHDC8B):c.134C>T (p.Pro45Leu)

Gene: KLHDC8B (kelch domain containing 8B; plus strand). Cytogenetic location: 3p21.31.
Variant type: single nucleotide variant.
Coding change: c.134C>T on transcript NM_173546.3 (MANE Select); coding-DNA position 134, C replaced by T.
Protein change: p.Pro45Leu; replaces proline 45 with leucine.
Molecular consequence: missense variant.
Genome position (GRCh38, 1-based): chr3:49,172,903, C>T. VCF-style: chr3-49172903-C-T. GRCh37 (hg19) VCF-style: chr3-49210336-C-T.
Other names: short protein forms P45L.
Identifiers: ClinVar variation 2818657 (VCV002818657.3), dbSNP rs2470615701, ClinGen allele CA352775778.